The following is an entry in ClinVar:

ClinVar aggregate classification (germline): Likely pathogenic (1 of 4 stars; one submission).

Conditions:
Autosomal recessive nonsyndromic hearing loss 3. Also called: NEUROSENSORY NONSYNDROMIC RECESSIVE DEAFNESS 3. Identifiers: Orphanet 90636, MedGen C1838263, MONDO:0010860, OMIM 600316.

gnomAD v4.1: 1 of 1,613,046 alleles (0.000062%); highest among the groups gnomAD compares: South Asian, 0.0011%; no homozygotes.

Submission:

UAEU Genomics Laboratory, United Arab Emirates University
Classification: Likely pathogenic for Autosomal recessive nonsyndromic hearing loss 3. Last evaluated: 2021-11-24. Review status: criteria provided, single submitter. Criteria: ACMG Guidelines, 2015. Collection method: research. Allele origin: germline. Affected: yes. Observed: 1 variant allele.
Comment: The stop gained NM_016239.4(MYO15A): c.5886C>A (p.Tyr1962Ter)variant has not been reported previously as a pathogenic variant nor as a benign variant, to our knowledge. The p.Tyr1962Ter variant is novel (not in any individuals) in gnomAD database. This variant is predicted to cause loss of normal protein function through nonsense mediated decay of the mRNA or protein truncation. The p.Tyr1962Ter variant is a loss of function variant in the gene MYO15A, which is intolerant of Loss of Function variants. Loss of function variants in MYO15A are known to be disease-causing. For these reasons, this variant has been classified as Likely Pathogenic.

NM_016239.4(MYO15A):c.5886C>A (p.Tyr1962Ter)

Gene: MYO15A (myosin XVA; plus strand). Cytogenetic location: 17p11.2.
Variant type: single nucleotide variant.
Coding change: c.5886C>A on transcript NM_016239.4 (MANE Select); coding-DNA position 5886, C replaced by A.
Protein change: p.Tyr1962Ter; replaces tyrosine 1962 with a stop codon.
Molecular consequence: nonsense.
Genome position (GRCh38, 1-based): chr17:18,142,816, C>A. VCF-style: chr17-18142816-C-A. GRCh37 (hg19) VCF-style: chr17-18046130-C-A.
Other names: short protein forms Y1962*.
Identifiers: ClinVar variation 2502899 (VCV002502899.2), dbSNP rs727503310, ClinGen allele CA398603890.